The following is an entry in ClinVar:

NM_000363.5(TNNI3):c.221_237dup (p.Cys80delinsAlaLeuTer)

Gene: TNNI3 (troponin I3, cardiac type; minus strand). Cytogenetic location: 19q13.42.
Variant type: Duplication.
Coding change: c.221_237dup on transcript NM_000363.5 (MANE Select); coding-DNA positions 221 to 237, 17 bases duplicated (GCGCTCTGAGCACCCGC).
Protein change: p.Cys80delinsAlaLeuTer.
Molecular consequence: nonsense.
Genome position (GRCh38, 1-based): chr19:55,156,246-55,156,262, GCGGGTGCTCAGAGCGC duplicated on the plus strand (GCGCTCTGAGCACCCGC on the coding strand, the reverse complement: TNNI3 is on the minus strand); duplicating any 17 consecutive bases within chr19:55,156,246-55,156,264 gives the same sequence; the c. name uses the placement nearest the transcript's 3' end. VCF-style (leftmost placement, unchanged base first): chr19-55156245-A-AGCGGGTGCTCAGAGCGC. GRCh37 (hg19) VCF-style: chr19-55667613-A-AGCGGGTGCTCAGAGCGC.
Identifiers: ClinVar variation 918944 (VCV000918944.3), dbSNP rs2085728611, ClinGen allele CA913187827.

ClinVar aggregate classification (germline): Uncertain significance (1 of 4 stars; one submission).

Conditions:
Cardiomyopathy (CMYO). Also called: Cardiomyopathies. Identifiers: Orphanet 167848, MedGen C0878544, MONDO:0004994, HP:0001638. Inheritance: Various modes of inheritance.

Submission:

Color Diagnostics, LLC DBA Color Health
Classification: Uncertain significance for Cardiomyopathy. Last evaluated: 2019-11-14. Review status: criteria provided, single submitter. Criteria: ACMG Guidelines, 2015. Collection method: clinical testing. Allele origin: germline.
Comment: This variant results in a duplication of 8 nucleotides in exon 5 of the TNNI3 gene, resulting in a frameshift and premature translation stop signal. To our knowledge, functional studies have not been performed for this variant. This variant has not been reported in individuals affected with cardiovascular disorders in the literature. This variant has not been identified in the general population by the Genome Aggregation Database (gnomAD). Disease-causing variants in TNNI3 are mostly missense variants that act in a dominant-negative manner. The role of TNNI3 truncation variants in cardiomyopathy is not clearly established. The available evidence is insufficient to determine the role of this variant in disease conclusively. Therefore, this variant is classified as a Variant of Uncertain Significance.